The following is an entry in ClinVar:

ClinVar aggregate classification (germline): Uncertain significance (1 of 4 stars; one submission).

Conditions:
Hereditary cancer-predisposing syndrome. Also called: Hereditary neoplastic syndrome; Neoplastic Syndromes, Hereditary; Tumor predisposition; Hereditary Cancer Syndrome. Identifiers: Orphanet 140162, MedGen C0027672, MeSH D009386, MONDO:0015356.

Submission:

Ambry Genetics
Classification: Uncertain significance for Hereditary cancer-predisposing syndrome. Last evaluated: 2025-09-08. Review status: criteria provided, single submitter. Criteria: Ambry Variant Classification Scheme 2023. Collection method: clinical testing. Allele origin: germline.
Comment: The p.Q909* variant (also known as c.2725C>T), located in coding exon 24 of the POLE gene, results from a C to T substitution at nucleotide position 2725. This changes the amino acid from a glutamine to a stop codon within coding exon 24. This alteration is expected to result in loss of function by premature protein truncation or nonsense-mediated mRNA decay. Although biallelic loss of function of POLE has been associated with autosomal recessive POLE deficiency, haploinsufficiency of POLE has not been established as a mechanism of disease for POLE-related polymerase proofreading-associated polyposis (PPAP) and POLE-related CMMRD-like syndrome. Based on the supporting evidence, this variant is expected to be causative of POLE deficiency when present along with a second pathogenic variant on the other allele; however, its clinical significance for PPAP and POLE-related CMMRD-like syndrome is unclear.

NM_006231.4(POLE):c.2725C>T (p.Gln909Ter)

Gene: POLE (DNA polymerase epsilon, catalytic subunit; minus strand). Cytogenetic location: 12q24.33.
Variant type: single nucleotide variant.
Coding change: c.2725C>T on transcript NM_006231.4 (MANE Select); coding-DNA position 2725, C replaced by T.
Protein change: p.Gln909Ter; replaces glutamine 909 with a stop codon.
Molecular consequence: nonsense.
Genome position (GRCh38, 1-based): chr12:132,661,666, G>A on the plus strand (C>T on the coding strand, the complement: POLE is on the minus strand). VCF-style: chr12-132661666-G-A. GRCh37 (hg19) VCF-style: chr12-133238252-G-A.
Other names: short protein forms Q909*.
Identifiers: ClinVar variation 4141223 (VCV004141223.1).